The following is an entry in ClinVar:

ClinVar aggregate classification (germline): Likely pathogenic. Review status: reviewed by expert panel (3 of 4 stars). 6 submissions from 6 submitters: Likely pathogenic (1). 5 of the submissions do not count toward it. Last evaluated 2022-06-30.

Conditions:
Primary Mitochondrial Disorders. Identifiers: MedGen CN381104.
Mitochondrial disease. Also called: Mitochondrial disorder; Mitochondrial disorders. Identifiers: Orphanet 68380, MedGen C0751651, MeSH D028361, MONDO:0044970.
MELAS syndrome (MELAS). Also called: Juvenile myopathy, encephalopathy, lactic acidosis, stroke. Identifiers: Orphanet 550, MedGen C0162671, MONDO:0010789, OMIM 540000.
Leigh syndrome (NULS). Also called: Leigh's syndrome; Subacute necrotizing encephalopathy; Necrotizing encephalopathy infantile subacute of Leigh; Leigh's necrotizing encephalopathy; Leigh's disease; LEIGH SYNDROME, NUCLEAR. Identifiers: Orphanet 506, MedGen C2931891, MONDO:0009723, OMIM 256000.

Submissions (6):

ClinGen Mitochondrial Disease Nuclear and Mitochondrial  Variant Curation Expert Panel, ClinGen
Classification: Likely pathogenic for Mitochondrial disease. Last evaluated: 2022-06-30. Review status: reviewed by expert panel. Criteria: clingen mito disease acmg specifications v1-1. Collection method: curation. Allele origin: germline. Inheritance: Mitochondrial inheritance.
Comment: The m.14453G>A (p.A74V) variant in MT-ND6 has been reported in at least 10 individuals with primary mitochondrial disease from 10 families. Affected individuals had onset ranging from the first day of life to adulthood (all but one case had early childhood onset, however); and with features variably consistent with Leigh syndrome and MELAS (PS4_moderate; PMIDs: 34933128, 22947169, 33644659, 32552696, 24642831, 21364701, 11781695). Heteroplasmy levels ranged from 41-83%. There are at least five reports of de novo occurrences of this variant (PM6_strong, score 2.5; PMIDs: 34933128, 33644659, 24642831, 11781695). There is one report of this variant segregating with disease features as a healthy mother of a proband had the variant present at 2% in blood, however this does not meet criteria to apply PP1_supporting (at least two segregations). This variant is absent in the GenBank dataset, Helix dataset, and gnomAD v3.1.2 (PM2_supporting). There are no cybrid studies, single fiber studies, or other functional assays reported for this variant. The computational predictor APOGEE gives a consensus rating of pathogenic with a score of 0.81 (Min=0, Max=1), which predicts a damaging effect on gene function (PP3). In summary, this variant meets criteria to be classified as likely pathogenic for primary mitochondrial disease inherited in a mitochondrial manner. This classification was approved by the NICHD/NINDS U24 Mitochondrial Disease Variant Curation Expert Panel on June 27, 2022. Mitochondrial DNA-specific ACMG/AMP criteria applied (PMID: 32906214): PS4_moderate, PM6_strong, PM2_supporting, PP3.

3billion
Classification: Pathogenic for MELAS syndrome. Last evaluated: 2026-01-24. Review status: criteria provided, single submitter. Criteria: ACMG Guidelines, 2015. Collection method: clinical testing. Allele origin: germline. Affected: yes. Not counted in ClinVar's aggregate classification.
Comment: The variant is not observed in the gnomAD v4.1.0 dataset. Predicted Consequence/Location: Mitochondrial variant In silico tool predictions suggest damaging effect of the variant on gene or gene product [APOGEE2: 0.84 (>= 0.716)]. The same nucleotide change resulting in the same amino acid change has been previously reported as pathogenic/likely pathogenic with strong evidence (3billion dataset/ClinVar ID: VCV000009692). The variant has been observed in at least two similarly affected unrelated individuals (N/A). The variant has been previously reported as assumed (i.e. paternity and maternity not confirmed) de novo in at least two similarly affected unrelated individuals (N/A). Therefore, this variant is classified as Pathogenic according to the recommendation of ACMG/AMP guideline.

Variantyx, Inc.
Classification: Likely pathogenic for Primary mitochondrial disorders. Last evaluated: 2025-07-07. Review status: criteria provided, single submitter. Criteria: Variantyx Assertion Criteria 2022. Collection method: clinical testing. Allele origin: germline. Not counted in ClinVar's aggregate classification.
Comment: The m.14453G>A, c.221C>T, p.Ala74Val change is a nonsynonymous variant in the MT-ND6 gene. Pathogenic variants in this gene have been associated with primary mitochondrial disorders. This variant was detected as de novo in individual(s) reported in the published literature; however, the possibility of heteroplasmy in different tissues cannot be excluded (PMID: 11781695, 33644659)(PS2). This variant has been reported in at least 5 unrelated affected individual(s) (PMID: 34933128, 21364701, 32552696) (PS4_Moderate). Computational algorithms support a deleterious effect on the gene or gene product (Aggregate Predicted Severity Score: 0.67) (PP3). This variant is absent from control populations (PM2). Other reputable laboratories have reported this variant as likely pathogenic, and this classification has been validated by an expert panel in ClinVar (PP5). Based on the current evidence, this variant is classified as likely pathogenic for primary mitochondrial disorders.

Wong Mito Lab, Molecular and Human Genetics, Baylor College of Medicine
Classification: Likely pathogenic for Leigh syndrome. Last evaluated: 2019-10-17. Review status: criteria provided, single submitter. Criteria: Modified ACMG Guidelines (Unpublished). Collection method: clinical testing. Allele origin: germline. Not counted in ClinVar's aggregate classification.
Comment: The NC_012920.1:m.14453G>A (YP_003024037.1:p.Ala74Val) variant in MTND6 gene is interpretated to be a Likely Pathogenic variant based on the modified ACMG guidelines (unpublished). This variant meets the following evidence codes: PM9, PM10, PP4, PP6, PP7

OMIM
Classification: Pathogenic for MELAS SYNDROME. Last evaluated: 2001-10-01. Review status: no assertion criteria provided. Collection method: literature only. Allele origin: germline. Not counted in ClinVar's aggregate classification.

GeneReviews
No classification provided. Condition: MELAS syndrome. Review status: no classification provided. Collection method: literature only. Allele origin: maternal. Not counted in ClinVar's aggregate classification.

Literature cited by the submitters: PubMed 11781695 (cited by 3 submitters).

NC_012920.1(MT-ND6):m.14453G>A

Gene: MT-ND6 (mitochondrially encoded NADH dehydrogenase 6; minus strand).
Variant type: single nucleotide variant.
Genome position: chrM-14453-G-A.
Identifiers: ClinVar variation 9692 (VCV000009692.8), dbSNP rs199476107, ClinGen allele CA254853.